The following is an entry in ClinVar:

NM_003738.5(PTCH2):c.1292T>C (p.Leu431Pro)

Gene: PTCH2 (patched 2; minus strand). Cytogenetic location: 1p34.1.
Variant type: single nucleotide variant.
Coding change: c.1292T>C on transcript NM_003738.5 (MANE Select); coding-DNA position 1292, T replaced by C.
Protein change: p.Leu431Pro; replaces leucine 431 with proline.
Molecular consequence: missense variant.
Genome position (GRCh38, 1-based): chr1:44,829,236, A>G on the plus strand (T>C on the coding strand, the complement: PTCH2 is on the minus strand). VCF-style: chr1-44829236-A-G. GRCh37 (hg19) VCF-style: chr1-45294908-A-G.
Other names: c.1292T>C, p.Leu431Pro (NM_001166292.2); short protein forms L431P.
Identifiers: ClinVar variation 2711966 (VCV002711966.3), dbSNP rs2521979702, ClinGen allele CA340103192.

ClinVar aggregate classification (germline): Uncertain significance (1 of 4 stars; one submission).

Conditions:
Gorlin syndrome. Also called: Nevoid Basal Cell Carcinoma Syndrome; Basal cell nevus syndrome. Identifiers: Orphanet 377, MedGen C0004779, MONDO:0007187.

Submission:

Labcorp Genetics (formerly Invitae), Labcorp
Classification: Uncertain significance for Gorlin syndrome. Last evaluated: 2023-12-01. Review status: criteria provided, single submitter. Criteria: Invitae Variant Classification Sherloc (09022015). Collection method: clinical testing. Allele origin: germline.
Comment: This sequence change replaces leucine, which is neutral and non-polar, with proline, which is neutral and non-polar, at codon 431 of the PTCH2 protein (p.Leu431Pro). This variant is not present in population databases (gnomAD no frequency). This variant has not been reported in the literature in individuals affected with PTCH2-related conditions. Advanced modeling of protein sequence and biophysical properties (such as structural, functional, and spatial information, amino acid conservation, physicochemical variation, residue mobility, and thermodynamic stability) has been performed at Invitae for this missense variant, however the output from this modeling did not meet the statistical confidence thresholds required to predict the impact of this variant on PTCH2 protein function. In summary, the available evidence is currently insufficient to determine the role of this variant in disease. Therefore, it has been classified as a Variant of Uncertain Significance.